The following is an entry in ClinVar:

ClinVar aggregate classification (germline): Uncertain significance. Review status: criteria provided, multiple submitters, no conflicts (2 of 4 stars). 2 submissions from 2 submitters: Uncertain significance (2). Last evaluated 2024-03-19.

Conditions:
Compton-North congenital myopathy (CMYO12). Identifiers: Orphanet 210163, MedGen C2675527, MONDO:0012929, OMIM 612540.

Allele frequency attached by ClinVar (database versions not stated): gnomAD 0.00001; TOPMed 0.00003; ExAC 0.00005; gnomAD exomes 0.00007; ESP Exome Variant Server 0.00008.
gnomAD v4.1: 85 of 1,613,238 alleles (0.0053%); highest among the groups gnomAD compares: Middle Eastern, 0.099%; no homozygotes.

Submissions (2):

GeneDx
Classification: Uncertain significance. Last evaluated: 2024-03-19. Review status: criteria provided, single submitter. Criteria: GeneDx Variant Classification Process June 2021. Collection method: clinical testing. Allele origin: germline. Affected: yes.
Comment: In silico analysis supports that this missense variant does not alter protein structure/function; Has not been previously published as pathogenic or benign to our knowledge

Labcorp Genetics (formerly Invitae), Labcorp
Classification: Uncertain significance for Compton-North congenital myopathy. Last evaluated: 2021-09-01. Review status: criteria provided, single submitter. Criteria: Invitae Variant Classification Sherloc (09022015). Collection method: clinical testing. Allele origin: germline.
Comment: This sequence change replaces glycine with serine at codon 703 of the CNTN1 protein (p.Gly703Ser). The glycine residue is highly conserved and there is a small physicochemical difference between glycine and serine. This variant is present in population databases (rs370161709, ExAC 0.01%). This variant has not been reported in the literature in individuals affected with CNTN1-related conditions. Algorithms developed to predict the effect of missense changes on protein structure and function (SIFT, PolyPhen-2, Align-GVGD) all suggest that this variant is likely to be tolerated. In summary, the available evidence is currently insufficient to determine the role of this variant in disease. Therefore, it has been classified as a Variant of Uncertain Significance.

NM_001843.4(CNTN1):c.2107G>A (p.Gly703Ser)

Gene: CNTN1 (contactin 1; plus strand). Cytogenetic location: 12q12.
Variant type: single nucleotide variant.
Coding change: c.2107G>A on transcript NM_001843.4 (MANE Select); coding-DNA position 2107, G replaced by A.
Protein change: p.Gly703Ser; replaces glycine 703 with serine.
Molecular consequence: missense variant.
Genome position (GRCh38, 1-based): chr12:40,993,263, G>A. VCF-style: chr12-40993263-G-A. GRCh37 (hg19) VCF-style: chr12-41387065-G-A.
Other names: c.2074G>A, p.Gly692Ser (NM_175038.2); short protein forms G703S, G692S.
Identifiers: ClinVar variation 838880 (VCV000838880.8), dbSNP rs370161709, ClinGen allele CA6517043.